The following is an entry in ClinVar:

NM_001170700.3(DTHD1):c.917G>A (p.Gly306Asp)

Gene: DTHD1 (death domain containing 1; plus strand). Cytogenetic location: 4p14.
Variant type: single nucleotide variant.
Coding change: c.917G>A on transcript NM_001170700.3 (MANE Select); coding-DNA position 917, G replaced by A.
Protein change: p.Gly306Asp; replaces glycine 306 with aspartic acid.
Molecular consequence: missense variant. On other transcripts: non-coding transcript variant (2).
Genome position (GRCh38, 1-based): chr4:36,290,402, G>A. VCF-style: chr4-36290402-G-A. GRCh37 (hg19) VCF-style: chr4-36292024-G-A.
Other names: c.47G>A, p.Gly16Asp (NM_001136536.5, NM_001378435.1); short protein forms G306D, G16D.
Identifiers: ClinVar variation 4779562 (VCV004779562.1).

ClinVar aggregate classification (germline): Uncertain significance (1 of 4 stars; one submission).

Submission:

Labcorp Genetics (formerly Invitae), Labcorp
Classification: Uncertain significance. Last evaluated: 2026-01-21. Review status: criteria provided, single submitter. Criteria: Invitae Variant Classification Sherloc (09022015). Collection method: clinical testing. Allele origin: germline.
Comment: This sequence change replaces glycine, which is neutral and non-polar, with aspartic acid, which is acidic and polar, at codon 16 of the DTHD1 protein (p.Gly16Asp). This variant is present in population databases (no rsID available, gnomAD 0.002%). This variant has not been reported in the literature in individuals affected with DTHD1-related conditions. An algorithm developed to predict the effect of missense changes on protein structure and function outputs the following: PolyPhen-2: "Benign". The aspartic acid amino acid residue is found in multiple mammalian species, which suggests that this missense change does not adversely affect protein function. In summary, the available evidence is currently insufficient to determine the role of this variant in disease. Therefore, it has been classified as a Variant of Uncertain Significance.